The following is an entry in ClinVar:

ClinVar aggregate classification (germline): Uncertain significance (1 of 4 stars; one submission).

Allele frequency attached by ClinVar (database versions not stated): TOPMed below 0.00001; ExAC 0.00001; gnomAD 0.00001; gnomAD exomes 0.00001.
gnomAD v4.1: 13 of 1,614,076 alleles (0.00081%); highest among the groups gnomAD compares: East Asian, 0.0067%; no homozygotes.

Submission:

Labcorp Genetics (formerly Invitae), Labcorp
Classification: Uncertain significance. Last evaluated: 2024-06-17. Review status: criteria provided, single submitter. Criteria: Invitae Variant Classification Sherloc (09022015). Collection method: clinical testing. Allele origin: germline.
Comment: This sequence change replaces lysine, which is basic and polar, with arginine, which is basic and polar, at codon 1478 of the LRRK1 protein (p.Lys1478Arg). This variant is present in population databases (rs755499854, gnomAD 0.005%). This variant has not been reported in the literature in individuals affected with LRRK1-related conditions. ClinVar contains an entry for this variant (Variation ID: 1907090). An algorithm developed to predict the effect of missense changes on protein structure and function (PolyPhen-2) suggests that this variant is likely to be disruptive. In summary, the available evidence is currently insufficient to determine the role of this variant in disease. Therefore, it has been classified as a Variant of Uncertain Significance.

NM_024652.6(LRRK1):c.4433A>G (p.Lys1478Arg)

Genes: LRRK1 (leucine rich repeat kinase 1; plus strand), LRRK1-AS1 (LRRK1 antisense RNA 1; minus strand). Cytogenetic location: 15q26.3.
Variant type: single nucleotide variant.
Coding change: c.4433A>G on transcript NM_024652.6 (MANE Select); coding-DNA position 4433, A replaced by G.
Protein change: p.Lys1478Arg; replaces lysine 1478 with arginine.
Molecular consequence: missense variant.
Genome position (GRCh38, 1-based): chr15:101,056,956, A>G. VCF-style: chr15-101056956-A-G. GRCh37 (hg19) VCF-style: chr15-101597161-A-G.
Other names: short protein forms K1478R.
Identifiers: ClinVar variation 1907090 (VCV001907090.5), dbSNP rs755499854, ClinGen allele CA7761836.